The following is an entry in ClinVar:

ClinVar aggregate classification (germline): Likely pathogenic (1 of 4 stars; one submission).

Conditions:
Wiedemann-Steiner syndrome (WDSTS). Also called: Growth deficiency and mental retardation with facial dysmorphism. Identifiers: Orphanet 319182, MedGen C1854630, MONDO:0011518, OMIM 605130.

Submission:

3billion
Classification: Likely pathogenic for Wiedemann-Steiner syndrome. Last evaluated: 2024-06-16. Review status: criteria provided, single submitter. Criteria: ACMG Guidelines, 2015. Collection method: clinical testing. Allele origin: germline. Affected: yes.
Comment: The variant is not observed in the gnomAD v4.0.0 dataset. Predicted Consequence/Location: Stop-gained (nonsense): predicted to result in a loss or disruption of normal protein function through nonsense-mediated decay (NMD) or protein truncation. Multiple pathogenic variants are reported downstream of the variant. Therefore, this variant is classified as Likely pathogenic according to the recommendation of ACMG/AMP guideline.

NM_001197104.2(KMT2A):c.11491A>T (p.Lys3831Ter)

Genes: KMT2A (lysine methyltransferase 2A; plus strand), TTC36-AS1 (TTC36 and KMT2A antisense RNA 1; minus strand). Cytogenetic location: 11q23.3.
Variant type: single nucleotide variant.
Coding change: c.11491A>T on transcript NM_001197104.2 (MANE Select); coding-DNA position 11491, A replaced by T.
Protein change: p.Lys3831Ter; replaces lysine 3831 with a stop codon.
Molecular consequence: nonsense.
Genome position (GRCh38, 1-based): chr11:118,520,863, A>T. VCF-style: chr11-118520863-A-T. GRCh37 (hg19) VCF-style: chr11-118391578-A-T.
Other names: c.11581A>T, p.Lys3861Ter (NM_001412597.1); c.11482A>T, p.Lys3828Ter (NM_005933.4); short protein forms K3828*, K3831*, K3861*.
Identifiers: ClinVar variation 4291833 (VCV004291833.1).